The following is an entry in ClinVar:

ClinVar aggregate classification (germline): Uncertain significance (1 of 4 stars; one submission).

Conditions:
Atypical glycine encephalopathy. Also called: Glycine encephalopathy with normal serum glycine. Identifiers: Orphanet 289863, MedGen C4310943, MONDO:0015010, OMIM 617301.

Allele frequency attached by ClinVar (database versions not stated): gnomAD exomes below 0.00001; ExAC 0.00001; gnomAD 0.00001; 1000 Genomes Project 30x 0.00016; 1000 Genomes Project 0.00020.
gnomAD v4.1: 3 of 1,613,548 alleles (0.00019%); highest among the groups gnomAD compares: East Asian, 0.0045%; no homozygotes.

Submissions (2):

Labcorp Genetics (formerly Invitae), Labcorp
Classification: Uncertain significance for Atypical glycine encephalopathy. Last evaluated: 2022-05-25. Review status: criteria provided, single submitter. Criteria: Invitae Variant Classification Sherloc (09022015). Collection method: clinical testing. Allele origin: germline.
Comment: This sequence change falls in intron 3 of the SLC6A9 gene. It does not directly change the encoded amino acid sequence of the SLC6A9 protein. This variant is present in population databases (rs537261471, gnomAD 0.006%). This variant has not been reported in the literature in individuals affected with SLC6A9-related conditions. Algorithms developed to predict the effect of sequence changes on RNA splicing suggest that this variant may disrupt the consensus splice site. In summary, the available evidence is currently insufficient to determine the role of this variant in disease. Therefore, it has been classified as a Variant of Uncertain Significance.

Dr. Peter K. Rogan Lab, Western University
No classification provided (evidence only). Condition: Malignant tumor of esophagus. Review status: no classification provided. Collection method: in vitro. Allele origin: not applicable. Functional consequence: retained intron. Not counted in ClinVar's aggregate classification.

NM_001024845.3(SLC6A9):c.188-7C>G

Gene: SLC6A9 (solute carrier family 6 member 9; minus strand). Cytogenetic location: 1p34.1.
Variant type: single nucleotide variant.
Coding change: c.188-7C>G on transcript NM_001024845.3 (MANE Select); 7 bases into the intron before coding-DNA position 188, C replaced by G.
Molecular consequence: intron variant.
Genome position (GRCh38, 1-based): chr1:44,010,103, G>C on the plus strand (C>G on the coding strand, the complement: SLC6A9 is on the minus strand). VCF-style: chr1-44010103-G-C. GRCh37 (hg19) VCF-style: chr1-44475775-G-C.
Other names: c.-14-1480C>G (NM_001328630.2, NM_001328626.2); c.188-7C>G (NM_001328629.1); c.125-1480C>G (NM_001328628.1); c.125-7C>G (NM_001328627.1); c.200-7C>G (NM_001261380.2); c.245-7C>G (NM_006934.4); c.407-7C>G (NM_201649.4).
Identifiers: ClinVar variation 2150567 (VCV002150567.2), dbSNP rs537261471, ClinGen allele CA817868.